The following is an entry in ClinVar:

NM_004415.4(DSP):c.243C>T (p.Cys81=)

Gene: DSP (desmoplakin; plus strand). Cytogenetic location: 6p24.3.
Variant type: single nucleotide variant.
Coding change: c.243C>T on transcript NM_004415.4 (MANE Select); coding-DNA position 243, C replaced by T.
Protein change: p.Cys81=; no amino-acid change (cysteine 81 retained).
Molecular consequence: synonymous variant.
Genome position (GRCh38, 1-based): chr6:7,555,790, C>T. VCF-style: chr6-7555790-C-T. GRCh37 (hg19) VCF-style: chr6-7556023-C-T.
Other names: c.243C>T, p.Cys81= (NM_001008844.3, NM_001319034.2).
Identifiers: ClinVar variation 1077495 (VCV001077495.14), dbSNP rs947998304, ClinGen allele CA133948053.

ClinVar aggregate classification (germline): Conflicting classifications of pathogenicity. Review status: criteria provided, conflicting classifications (1 of 4 stars). 4 submissions from 4 submitters: Uncertain significance (2); Likely benign (2). Last evaluated 2025-06-03.

Conditions:
Cardiomyopathy (CMYO). Also called: Cardiomyopathies. Identifiers: Orphanet 167848, MedGen C0878544, MONDO:0004994, HP:0001638. Inheritance: Various modes of inheritance.
Cardiovascular phenotype. Identifiers: MedGen CN230736.
Arrhythmogenic right ventricular dysplasia 8 (ARVD8). Also called: Arrhythmogenic Right Ventricular Dysplasia/Cardiomyopathy 8; ARRHYTHMOGENIC RIGHT VENTRICULAR DYSPLASIA, FAMILIAL, 8; ARRHYTHMOGENIC RIGHT VENTRICULAR CARDIOMYOPATHY 8. Identifiers: MedGen C1843896, MONDO:0011831, OMIM 607450.
Arrhythmogenic cardiomyopathy with wooly hair and keratoderma. Also called: Carvajal syndrome; PALMOPLANTAR KERATODERMA WITH LEFT VENTRICULAR CARDIOMYOPATHY AND WOOLLY HAIR; Arrhythmogenic cardiomyopathy with woolly hair and keratoderma; Dilated cardiomyopathy with woolly hair and keratoderma. Identifiers: Orphanet 65282, MedGen C1854063, MONDO:0011581, OMIM 605676.

Allele frequency attached by ClinVar (database versions not stated): gnomAD exomes below 0.00001.
gnomAD v4.1: 1 of 1,614,218 alleles (0.000062%); highest among the groups gnomAD compares: Non-Finnish European, 0.000085%; no homozygotes.

Submissions (4):

Labcorp Genetics (formerly Invitae), Labcorp
Classification: Likely benign for Arrhythmogenic cardiomyopathy with wooly hair and keratoderma; Arrhythmogenic right ventricular dysplasia 8. Last evaluated: 2025-06-03. Review status: criteria provided, single submitter. Criteria: Invitae Variant Classification Sherloc (09022015). Collection method: clinical testing. Allele origin: germline.

All of Us Research Program, National Institutes of Health
Classification: Uncertain significance for Arrhythmogenic cardiomyopathy with wooly hair and keratoderma. Last evaluated: 2023-08-08. Review status: criteria provided, single submitter. Criteria: ACMG Guidelines, 2015. Collection method: clinical testing. Allele origin: germline. Inheritance: Autosomal dominant inheritance. Observed: 2 variant alleles, 2 heterozygotes.
Comment: This variant is located in the DSP protein. To our knowledge, functional studies have not been reported for this variant. This variant has not been reported in individuals affected with DSP-related disorders in the literature. This variant has not been identified in the general population by the Genome Aggregation Database (gnomAD). The available evidence is insufficient to determine the role of this variant in disease conclusively. Therefore, this variant is classified as a Variant of Uncertain Significance.

This study involves interpretation of variants in research participants for the purpose of population health screening. Participant phenotype was not available at the time of variant classification. Additional details can be found in publication PMID: 35346344, PMCID: PMC8962531

Color Diagnostics, LLC DBA Color Health
Classification: Uncertain significance for Cardiomyopathy. Last evaluated: 2022-11-07. Review status: criteria provided, single submitter. Criteria: ACMG Guidelines, 2015. Collection method: clinical testing. Allele origin: germline.
Comment: This variant is located in the DSP protein. To our knowledge, functional studies have not been reported for this variant. This variant has not been reported in individuals affected with DSP-related disorders in the literature. This variant has not been identified in the general population by the Genome Aggregation Database (gnomAD). The available evidence is insufficient to determine the role of this variant in disease conclusively. Therefore, this variant is classified as a Variant of Uncertain Significance.

Ambry Genetics
Classification: Likely benign for Cardiovascular phenotype. Last evaluated: 2021-07-01. Review status: criteria provided, single submitter. Criteria: Ambry Variant Classification Scheme 2023. Collection method: clinical testing. Allele origin: germline.